The following is an entry in ClinVar:

NM_001377.3(DYNC2H1):c.970C>T (p.Leu324Phe)

Gene: DYNC2H1 (dynein cytoplasmic 2 heavy chain 1; plus strand). Cytogenetic location: 11q22.3.
Variant type: single nucleotide variant.
Coding change: c.970C>T on transcript NM_001377.3 (MANE Select); coding-DNA position 970, C replaced by T.
Protein change: p.Leu324Phe; replaces leucine 324 with phenylalanine.
Molecular consequence: missense variant.
Genome position (GRCh38, 1-based): chr11:103,117,834, C>T. VCF-style: chr11-103117834-C-T. GRCh37 (hg19) VCF-style: chr11-102988563-C-T.
Other names: c.970C>T, p.Leu324Phe (NM_001080463.2); short protein forms L324F.
Identifiers: ClinVar variation 1031040 (VCV001031040.5), dbSNP rs1858493502, ClinGen allele CA382248458.

ClinVar aggregate classification (germline): Uncertain significance. Review status: criteria provided, multiple submitters, no conflicts (2 of 4 stars). 3 submissions from 3 submitters: Uncertain significance (3). Last evaluated 2023-07-24.

Conditions:
Asphyxiating thoracic dystrophy 3. Also called: SHORT-RIB THORACIC DYSPLASIA 3 WITH OR WITHOUT POLYDACTYLY; POLYDACTYLY WITH NEONATAL CHONDRODYSTROPHY, TYPE I; SHORT-RIB THORACIC DYSPLASIA 3/6 WITH POLYDACTYLY, DIGENIC; Short rib polydactyly syndrome 2B; Saldino-Noonan Syndrome. Identifiers: Orphanet 474, Orphanet 93269, Orphanet 93270, Orphanet 93271, MedGen C0036069, MONDO:0013127, OMIM 613091.

Submissions (3):

Women's Health and Genetics/Laboratory Corporation of America, LabCorp
Classification: Uncertain significance. Last evaluated: 2023-07-24. Review status: criteria provided, single submitter. Criteria: LabCorp Variant Classification Summary - May 2015. Collection method: clinical testing. Allele origin: germline.
Comment: Variant summary: DYNC2H1 c.970C>T (p.Leu324Phe) results in a non-conservative amino acid change located in the Dynein heavy chain, tail (IPR013594) of the encoded protein sequence. Four of five in-silico tools predict a damaging effect of the variant on protein function. The variant was absent in 248278 control chromosomes (gnomAD). The available data on variant occurrences in the general population are insufficient to allow any conclusion about variant significance. c.970C>T has been reported in the literature in an infant affected with skeletal dysplasia (example: Al-hamed_2022). These report(s) do not provide unequivocal conclusions about association of the variant with Short-rib thoracic dysplasia. To our knowledge, no experimental evidence demonstrating an impact on protein function has been reported. The following publication has been ascertained in the context of this evaluation (PMID: 34853893). Two submitters have cited clinical-significance assessments for this variant to ClinVar after 2014. All submitters classified the variant as uncertain significance. Based on the evidence outlined above, the variant was classified as uncertain significance.

Genomic Medicine Center of Excellence, King Faisal Specialist Hospital and Research Centre
Classification: Uncertain significance for Asphyxiating thoracic dystrophy 3. Last evaluated: 2021-01-04. Review status: criteria provided, single submitter. Criteria: ACMG Guidelines, 2015. Collection method: clinical testing. Allele origin: germline. Affected: yes.

Baylor Genetics
Classification: Uncertain significance for Asphyxiating thoracic dystrophy 3. Last evaluated: 2019-09-13. Review status: criteria provided, single submitter. Criteria: ACMG Guidelines, 2015. Collection method: clinical testing. Allele origin: unknown. Affected: yes.
Comment: This variant was determined to be of uncertain significance according to ACMG Guidelines, 2015 [PMID:25741868].

Literature cited by the submitters: PubMed 34853893 (cited by Women's Health and Genetics/Laboratory Corporation of America, LabCorp).